The following is an entry in ClinVar:

NM_022124.6(CDH23):c.4430G>A (p.Gly1477Asp)

Gene: CDH23 (cadherin related 23; plus strand). Cytogenetic location: 10q22.1.
Variant type: single nucleotide variant.
Coding change: c.4430G>A on transcript NM_022124.6 (MANE Select); coding-DNA position 4430, G replaced by A.
Protein change: p.Gly1477Asp; replaces glycine 1477 with aspartic acid.
Molecular consequence: missense variant.
Genome position (GRCh38, 1-based): chr10:71,739,714, G>A. VCF-style: chr10-71739714-G-A. GRCh37 (hg19) VCF-style: chr10-73499471-G-A.
Other names: short protein forms G1477D.
Identifiers: ClinVar variation 1477051 (VCV001477051.9), dbSNP rs2132844214, ClinGen allele CA377160139.

ClinVar aggregate classification (germline): Uncertain significance. Review status: criteria provided, multiple submitters, no conflicts (2 of 4 stars). 2 submissions from 2 submitters: Uncertain significance (2). Last evaluated 2021-03-12.

Submissions (2):

Labcorp Genetics (formerly Invitae), Labcorp
Classification: Uncertain significance. Last evaluated: 2021-03-12. Review status: criteria provided, single submitter. Criteria: Invitae Variant Classification Sherloc (09022015). Collection method: clinical testing. Allele origin: germline.
Comment: In summary, the available evidence is currently insufficient to determine the role of this variant in disease. Therefore, it has been classified as a Variant of Uncertain Significance. Algorithms developed to predict the effect of missense changes on protein structure and function are either unavailable or do not agree on the potential impact of this missense change (SIFT: "Deleterious"; PolyPhen-2: "Not Available"; Align-GVGD: "Class C25"). This variant has not been reported in the literature in individuals with CDH23-related conditions. This variant is not present in population databases (ExAC no frequency). This sequence change replaces glycine with aspartic acid at codon 1477 of the CDH23 protein (p.Gly1477Asp). The glycine residue is highly conserved and there is a moderate physicochemical difference between glycine and aspartic acid.

Blueprint Genetics
Classification: Uncertain significance. Last evaluated: 2019-05-22. Review status: criteria provided, single submitter. Criteria: ACMG Guidelines, 2015. Collection method: clinical testing. Allele origin: germline.